The following is an entry in ClinVar:

NM_020297.4(ABCC9):c.983C>A (p.Thr328Asn)

Gene: ABCC9 (ATP binding cassette subfamily C member 9; minus strand). Cytogenetic location: 12p12.1.
Variant type: single nucleotide variant.
Coding change: c.983C>A on transcript NM_020297.4 (MANE Select); coding-DNA position 983, C replaced by A.
Protein change: p.Thr328Asn; replaces threonine 328 with asparagine.
Molecular consequence: missense variant.
Genome position (GRCh38, 1-based): chr12:21,912,900, G>T on the plus strand (C>A on the coding strand, the complement: ABCC9 is on the minus strand). VCF-style: chr12-21912900-G-T. GRCh37 (hg19) VCF-style: chr12-22065834-G-T.
Other names: c.983C>A, p.Thr328Asn (NM_001377273.1, NM_005691.4); c.119C>A, p.Thr40Asn (NM_001377274.1); short protein forms T40N, T328N.
Identifiers: ClinVar variation 1351955 (VCV001351955.6), dbSNP rs1477103969, ClinGen allele CA384120887.

ClinVar aggregate classification (germline): Uncertain significance (1 of 4 stars; one submission).

Conditions:
Dilated cardiomyopathy 1O (CMD1O). Also called: CARDIOMYOPATHY, DILATED, WITH VENTRICULAR TACHYCARDIA. Identifiers: Orphanet 154, MedGen C1837839, MONDO:0012062, OMIM 608569.

Allele frequency attached by ClinVar (database versions not stated): gnomAD 0.00001.
gnomAD v4.1: 1 of 1,613,282 alleles (0.000062%); highest among the groups gnomAD compares: African/African-American, 0.0013%; no homozygotes.

Submission:

Labcorp Genetics (formerly Invitae), Labcorp
Classification: Uncertain significance for Dilated cardiomyopathy 1O. Last evaluated: 2021-09-08. Review status: criteria provided, single submitter. Criteria: Invitae Variant Classification Sherloc (09022015). Collection method: clinical testing. Allele origin: germline.
Comment: This variant has not been reported in the literature in individuals affected with ABCC9-related conditions. This sequence change replaces threonine with asparagine at codon 328 of the ABCC9 protein (p.Thr328Asn). The threonine residue is weakly conserved and there is a small physicochemical difference between threonine and asparagine. This variant is not present in population databases (ExAC no frequency). Algorithms developed to predict the effect of missense changes on protein structure and function (SIFT, PolyPhen-2, Align-GVGD) all suggest that this variant is likely to be tolerated. In summary, the available evidence is currently insufficient to determine the role of this variant in disease. Therefore, it has been classified as a Variant of Uncertain Significance.